The following is an entry in ClinVar:

NM_002474.3(MYH11):c.5529G>A (p.Ser1843=)

Genes: MYH11 (myosin heavy chain 11; minus strand), NDE1 (nudE neurodevelopment protein 1; plus strand). Cytogenetic location: 16p13.11.
Variant type: single nucleotide variant.
Coding change: c.5529G>A on transcript NM_002474.3 (MANE Select); coding-DNA position 5529, G replaced by A.
Protein change: p.Ser1843=; no amino-acid change (serine 1843 retained).
Molecular consequence: synonymous variant. On other transcripts: intron variant (2).
Genome position (GRCh38, 1-based): chr16:15,715,248, C>T on the plus strand (G>A on the coding strand, the complement: MYH11 is on the minus strand). VCF-style: chr16-15715248-C-T. GRCh37 (hg19) VCF-style: chr16-15809105-C-T.
Other names: c.5550G>A, p.Ser1850= (NM_001040113.2, NM_001040114.2); c.5529G>A, p.Ser1843= (NM_022844.3); c.948-8943C>T (NM_001143979.2, NM_017668.3).
Identifiers: ClinVar variation 197068 (VCV000197068.75), dbSNP rs146024732, ClinGen allele CA245000.

ClinVar aggregate classification (germline): Conflicting classifications of pathogenicity. Review status: criteria provided, conflicting classifications (1 of 4 stars). 14 submissions from 14 submitters: Uncertain significance (2); Benign (5); Likely benign (4). 3 of the submissions do not count toward it. Last evaluated 2026-08-01.

Conditions:
MYH11-related disorder. Also called: MYH11-related condition.
Cardiovascular phenotype. Identifiers: MedGen CN230736.
Familial thoracic aortic aneurysm and aortic dissection (TAAD). Also called: Thoracic aortic aneurysms and dissections. Identifiers: Orphanet 91387, MedGen C4707243, MONDO:0019625.
Aortic aneurysm, familial thoracic 4 (AAT4). Also called: AORTIC ANEURYSM/AORTIC DISSECTION AND PATENT DUCTUS ARTERIOSUS. Identifiers: MedGen C1851504, MONDO:0007568, OMIM 132900.

Allele frequency attached by ClinVar (database versions not stated): 1000 Genomes Project 30x 0.00016; 1000 Genomes Project 0.00020; gnomAD exomes 0.00036 and 0.00053; gnomAD 0.00039 and 0.00040; TOPMed 0.00048; ExAC 0.00050; ESP Exome Variant Server 0.00054.
gnomAD v4.1: 598 of 1,614,068 alleles (0.037%); highest among the groups gnomAD compares: Middle Eastern, 0.18%; no homozygotes.

Submissions (14):

CeGaT Center for Human Genetics Tuebingen
Classification: Likely benign. Last evaluated: 2026-08-01. Review status: criteria provided, single submitter. Criteria: CeGaT Center For Human Genetics Tuebingen Variant Classification Criteria Version 2. Collection method: clinical testing. Allele origin: germline. Affected: yes. Observed: 20 variant alleles.
Comment: MYH11: BP4, BP7

Labcorp Genetics (formerly Invitae), Labcorp
Classification: Benign for Aortic aneurysm, familial thoracic 4. Last evaluated: 2026-01-25. Review status: criteria provided, single submitter. Criteria: Invitae Variant Classification Sherloc (09022015). Collection method: clinical testing. Allele origin: germline.

Blueprint Genetics
Classification: Likely benign. Last evaluated: 2024-11-27. Review status: criteria provided, single submitter. Criteria: ACMG Guidelines, 2015. Collection method: clinical testing. Allele origin: germline.

All of Us Research Program, National Institutes of Health
Classification: Benign for Familial thoracic aortic aneurysm and aortic dissection. Last evaluated: 2024-02-05. Review status: criteria provided, single submitter. Criteria: ACMG Guidelines, 2015. Collection method: clinical testing. Allele origin: germline. Inheritance: Autosomal dominant inheritance. Observed: 150 variant alleles, 150 heterozygotes.
Comment: This study involves interpretation of variants in research participants for the purpose of population health screening. Participant phenotype was not available at the time of variant classification. Additional details can be found in publication PMID: 35346344, PMCID: PMC8962531

Molecular Diagnostic Laboratory for Inherited Cardiovascular Disease, Montreal Heart Institute
Classification: Likely benign. Last evaluated: 2020-03-23. Review status: criteria provided, single submitter. Criteria: ACMG Guidelines, 2015. Collection method: clinical testing. Allele origin: germline. Affected: yes.

CHEO Genetics Diagnostic Laboratory, Children's Hospital of Eastern Ontario
Classification: Benign for Familial thoracic aortic aneurysm and aortic dissection. Last evaluated: 2020-03-13. Review status: criteria provided, single submitter. Criteria: ACMG Guidelines, 2015. Collection method: clinical testing. Allele origin: germline. Study: Canadian Open Genetics Repository.

Color Diagnostics, LLC DBA Color Health
Classification: Benign for Familial thoracic aortic aneurysm and aortic dissection. Last evaluated: 2018-06-04. Review status: criteria provided, single submitter. Criteria: ACMG Guidelines, 2015. Collection method: clinical testing. Allele origin: germline.

Illumina Laboratory Services, Illumina
Classification: Uncertain significance for Aortic aneurysm, familial thoracic 4. Last evaluated: 2018-01-12. Review status: criteria provided, single submitter. Criteria: ICSL Variant Classification Criteria 13 December 2019. Collection method: clinical testing. Allele origin: germline.

Ambry Genetics
Classification: Likely benign for Cardiovascular phenotype. Last evaluated: 2015-08-05. Review status: criteria provided, single submitter. Criteria: Ambry Autosomal Dominant and X-Linked criteria (10/2015). Collection method: clinical testing. Allele origin: germline. Observed: 1 variant allele.

GeneDx
Classification: Benign. Last evaluated: 2015-03-03. Review status: criteria provided, single submitter. Criteria: GeneDx Variant Classification Process June 2021. Collection method: clinical testing. Allele origin: germline. Affected: yes.

Eurofins Ntd Llc (ga)
Classification: Uncertain significance. Last evaluated: 2014-12-19. Review status: criteria provided, single submitter. Criteria: EGL Classification Definitions 2015. Collection method: clinical testing. Allele origin: germline. Observed: 1 variant allele, 1 heterozygote.

PreventionGenetics, part of Exact Sciences
Classification: Likely benign for MYH11-related condition. Last evaluated: 2019-03-20. Review status: no assertion criteria provided. Collection method: clinical testing. Allele origin: germline. Not counted in ClinVar's aggregate classification.
Comment: This variant is classified as likely benign based on ACMG/AMP sequence variant interpretation guidelines (Richards et al. 2015 PMID: 25741868, with internal and published modifications).

Clinical Genetics DNA and cytogenetics Diagnostics Lab, Erasmus MC, Erasmus Medical Center
Classification: Likely benign. Review status: no assertion criteria provided. Collection method: clinical testing. Allele origin: germline. Affected: yes. Study: VKGL Data-share Consensus. Not counted in ClinVar's aggregate classification.

Genome Diagnostics Laboratory, Amsterdam University Medical Center
Classification: Likely benign. Review status: no assertion criteria provided. Collection method: clinical testing. Allele origin: germline. Affected: yes. Study: VKGL Data-share Consensus. Not counted in ClinVar's aggregate classification.